The following is an entry in ClinVar:

ClinVar aggregate classification (germline): Likely benign (1 of 4 stars; one submission).

Conditions:
Nystagmus 1, congenital, X-linked. Also called: NYSTAGMUS 1, INFANTILE, X-LINKED; NYSTAGMUS, CONGENITAL MOTOR, 1; FRMD7-Related Infantile Nystagmus; NYSTAGMUS, INFANTILE PERIODIC ALTERNATING, X-LINKED; NYSTAGMUS, INFANTILE IDIOPATHIC. Identifiers: MedGen C1839580, MONDO:0010693, OMIM 310700.

Allele frequency attached by ClinVar (database versions not stated): 1000 Genomes Project 0.00079; 1000 Genomes Project 30x 0.00125; gnomAD 0.00227 and 0.00231; TOPMed 0.00238.

Submission:

Illumina Laboratory Services, Illumina
Classification: Likely benign for Nystagmus 1, congenital, X-linked. Last evaluated: 2018-01-13. Review status: criteria provided, single submitter. Criteria: ICSL Variant Classification Criteria 13 December 2019. Collection method: clinical testing. Allele origin: germline.
Comment: This variant was observed in the ICSL laboratory as part of a predisposition screen in an ostensibly healthy population. It had not been previously curated by ICSL or reported in the Human Gene Mutation Database (HGMD: prior to June 1st, 2018), and was therefore a candidate for classification through an automated scoring system. Utilizing variant allele frequency, disease prevalence and penetrance estimates, and inheritance mode, an automated score was calculated to assess if this variant is too frequent to cause the disease. Based on the score and internal cut-off values, a variant classified as likely benign is not then subjected to further curation. The score for this variant resulted in a classification of likely benign for this disease.

NM_194277.3(FRMD7):c.*730A>G

Gene: FRMD7 (FERM domain containing 7; minus strand). Cytogenetic location: Xq26.2.
Variant type: single nucleotide variant.
Coding change: c.*730A>G on transcript NM_194277.3 (MANE Select); 730 bases downstream of the stop codon, A replaced by G.
Molecular consequence: 3 prime UTR variant.
Genome position (GRCh38, 1-based): chrX:132,077,142, T>C on the plus strand (A>G on the coding strand, the complement: FRMD7 is on the minus strand). VCF-style: chrX-132077142-T-C. GRCh37 (hg19) VCF-style: chrX-131211170-T-C.
Other names: c.*730A>G (NM_001306193.2).
Identifiers: ClinVar variation 914869 (VCV000914869.4), dbSNP rs41300293, ClinGen allele CA335857424.